The following is an entry in ClinVar:

NM_021831.6(AGBL5):c.1771G>A (p.Ala591Thr)

Gene: AGBL5 (AGBL carboxypeptidase 5; plus strand). Cytogenetic location: 2p23.3.
Variant type: single nucleotide variant.
Coding change: c.1771G>A on transcript NM_021831.6 (MANE Select); coding-DNA position 1771, G replaced by A.
Protein change: p.Ala591Thr; replaces alanine 591 with threonine.
Molecular consequence: missense variant. On other transcripts: non-coding transcript variant (2).
Genome position (GRCh38, 1-based): chr2:27,058,499, G>A. VCF-style: chr2-27058499-G-A. GRCh37 (hg19) VCF-style: chr2-27281367-G-A.
Other names: c.1771G>A, p.Ala591Thr (NM_001035507.3); short protein forms A591T.
Identifiers: ClinVar variation 867071 (VCV000867071.8), dbSNP rs373365531, ClinGen allele CA1567963.

ClinVar aggregate classification (germline): Uncertain significance. Review status: criteria provided, multiple submitters, no conflicts (2 of 4 stars). 2 submissions from 2 submitters: Uncertain significance (2). Last evaluated 2026-01-03.

Allele frequency attached by ClinVar (database versions not stated): gnomAD exomes 0.00004 and 0.00005; gnomAD 0.00006 and 0.00007; TOPMed 0.00006; ExAC 0.00008; ESP Exome Variant Server 0.00008.
gnomAD v4.1: 81 of 1,614,078 alleles (0.005%); highest among the groups gnomAD compares: Admixed American, 0.028%; no homozygotes.

Submissions (2):

Labcorp Genetics (formerly Invitae), Labcorp
Classification: Uncertain significance. Last evaluated: 2026-01-03. Review status: criteria provided, single submitter. Criteria: Invitae Variant Classification Sherloc (09022015). Collection method: clinical testing. Allele origin: germline.
Comment: This sequence change replaces alanine, which is neutral and non-polar, with threonine, which is neutral and polar, at codon 591 of the AGBL5 protein (p.Ala591Thr). This variant is present in population databases (rs373365531, gnomAD 0.01%). This missense change has been observed in individual(s) with clinical features of retinitis pigmentosa (PMID: 33057194, 35982159; internal data). ClinVar contains an entry for this variant (Variation ID: 867071). An algorithm developed to predict the effect of missense changes on protein structure and function (PolyPhen-2) suggests that this variant is likely to be tolerated. In summary, the available evidence is currently insufficient to determine the role of this variant in disease. Therefore, it has been classified as a Variant of Uncertain Significance.

Blueprint Genetics
Classification: Uncertain significance. Last evaluated: 2023-08-22. Review status: criteria provided, single submitter. Criteria: ACMG Guidelines, 2015. Collection method: clinical testing. Allele origin: germline.

Literature cited by the submitters: PubMed 33057194 (cited by Labcorp Genetics (formerly Invitae), Labcorp); PubMed 35982159 (cited by Labcorp Genetics (formerly Invitae), Labcorp).